The following is an entry in ClinVar:

ClinVar aggregate classification (germline): Uncertain significance (1 of 4 stars; one submission).

Submission:

GeneDx
Classification: Uncertain significance. Last evaluated: 2024-10-27. Review status: criteria provided, single submitter. Criteria: GeneDx Variant Classification Process June 2021. Collection method: clinical testing. Allele origin: germline. Affected: yes.
Comment: Not observed at significant frequency in large population cohorts (gnomAD); In silico analysis indicates that this missense variant does not alter protein structure/function; Has not been previously published as pathogenic or benign to our knowledge; Within C-terminal cytoplasmic domain

NM_001330260.2(SCN8A):c.5477C>T (p.Thr1826Ile)

Gene: SCN8A (sodium voltage-gated channel alpha subunit 8; plus strand). Cytogenetic location: 12q13.13.
Variant type: single nucleotide variant.
Coding change: c.5477C>T on transcript NM_001330260.2 (MANE Select); coding-DNA position 5477, C replaced by T.
Protein change: p.Thr1826Ile; replaces threonine 1826 with isoleucine.
Molecular consequence: missense variant.
Genome position (GRCh38, 1-based): chr12:51,806,963, C>T. VCF-style: chr12-51806963-C-T. GRCh37 (hg19) VCF-style: chr12-52200747-C-T.
Other names: c.5354C>T, p.Thr1785Ile (NM_001177984.3, NM_001369788.1); c.5477C>T, p.Thr1826Ile (NM_014191.4); short protein forms T1785I, T1826I.
Identifiers: ClinVar variation 3893647 (VCV003893647.1).